The following is an entry in ClinVar:

ClinVar aggregate classification (germline): Uncertain significance (1 of 4 stars; one submission).

Allele frequency attached by ClinVar (database versions not stated): gnomAD exomes 0.00001 and 0.00002; ExAC 0.00007.
gnomAD v4.1: 12 of 1,593,232 alleles (0.00075%); highest among the groups gnomAD compares: South Asian, 0.013%; no homozygotes.

Submission:

Labcorp Genetics (formerly Invitae), Labcorp
Classification: Uncertain significance. Last evaluated: 2021-10-08. Review status: criteria provided, single submitter. Criteria: Invitae Variant Classification Sherloc (09022015). Collection method: clinical testing. Allele origin: germline.
Comment: Algorithms developed to predict the effect of missense changes on protein structure and function output the following: SIFT: "Tolerated"; PolyPhen-2: "Benign"; Align-GVGD: "Class C0". The threonine amino acid residue is found in multiple mammalian species, which suggests that this missense change does not adversely affect protein function. In summary, the available evidence is currently insufficient to determine the role of this variant in disease. Therefore, it has been classified as a Variant of Uncertain Significance. This variant is present in population databases (rs772340167, ExAC 0.03%). This sequence change replaces alanine with threonine at codon 1830 of the KIAA1549 protein (p.Ala1830Thr). The alanine residue is highly conserved and there is a small physicochemical difference between alanine and threonine. This variant has not been reported in the literature in individuals affected with KIAA1549-related conditions.

NM_001164665.2(KIAA1549):c.5488G>A (p.Ala1830Thr)

Gene: KIAA1549 (KIAA1549; minus strand). Cytogenetic location: 7q34.
Variant type: single nucleotide variant.
Coding change: c.5488G>A on transcript NM_001164665.2 (MANE Select); coding-DNA position 5488, G replaced by A.
Protein change: p.Ala1830Thr; replaces alanine 1830 with threonine.
Molecular consequence: missense variant.
Genome position (GRCh38, 1-based): chr7:138,840,243, C>T on the plus strand (G>A on the coding strand, the complement: KIAA1549 is on the minus strand). VCF-style: chr7-138840243-C-T. GRCh37 (hg19) VCF-style: chr7-138524988-C-T.
Other names: c.5488G>A, p.Ala1830Thr (NM_020910.3); short protein forms A1830T.
Identifiers: ClinVar variation 1524826 (VCV001524826.6), dbSNP rs772340167, ClinGen allele CA4505537.